The following is an entry in ClinVar:

NM_000027.4(AGA):c.395-8A>G

Gene: AGA (aspartylglucosaminidase; minus strand). Cytogenetic location: 4q34.3.
Variant type: single nucleotide variant.
Coding change: c.395-8A>G on transcript NM_000027.4 (MANE Select); 8 bases into the intron before coding-DNA position 395, A replaced by G.
Molecular consequence: intron variant.
Genome position (GRCh38, 1-based): chr4:177,438,865, T>C on the plus strand (A>G on the coding strand, the complement: AGA is on the minus strand). VCF-style: chr4-177438865-T-C. GRCh37 (hg19) VCF-style: chr4-178360019-T-C.
Other names: c.395-8A>G (NM_001171988.2).
Identifiers: ClinVar variation 55945 (VCV000055945.7), dbSNP rs386833426, ClinGen allele CA144021.
Genomic context (GRCh38, chr4:177,438,865, plus strand): 5'-AGTGGTAGATAAGTCTTCATTGATAAACCCCATACTTTGAGCAAATGTGGTGGCTGGAGA[T>C]TGGAAAAAAGGAAAGTATAAATTATTCAAGTATTGTCTTTTCAACAAAAATATATGTACT-3'

ClinVar aggregate classification (germline): Pathogenic/Likely pathogenic. Review status: criteria provided, multiple submitters, no conflicts (2 of 4 stars). 4 submissions from 4 submitters: Pathogenic (1); Likely pathogenic (2). 1 of the submissions does not count toward it. Last evaluated 2025-08-15.

Conditions:
Aspartylglucosaminuria (AGU). Also called: GLYCOASPARAGINASE; GLYCOSYLASPARAGINASE DEFICIENCY; Aspartylglucos-aminuria; Aspartylglucos-amidase (AGA) deficiency; AGA DEFICIENCY. Identifiers: Orphanet 93, MedGen C0268225, MONDO:0008830, OMIM 208400, HP:0012068.

Allele frequency attached by ClinVar (database versions not stated): gnomAD 0.00001; gnomAD exomes 0.00001.
gnomAD v4.1: 12 of 1,518,152 alleles (0.00079%); highest among the groups gnomAD compares: East Asian, 0.018%; no homozygotes.

Submissions (4):

Labcorp Genetics (formerly Invitae), Labcorp
Classification: Likely pathogenic for Aspartylglucosaminuria. Last evaluated: 2025-08-15. Review status: criteria provided, single submitter. Criteria: Invitae Variant Classification Sherloc (09022015). Collection method: clinical testing. Allele origin: germline.
Comment: This sequence change falls in intron 3 of the AGA gene. It does not directly change the encoded amino acid sequence of the AGA protein. RNA analysis indicates that this variant induces altered splicing and may result in an absent or altered protein product. This variant is present in population databases (rs386833426, gnomAD 0.006%). This variant has been observed in individual(s) with aspartylglucosaminuria (PMID: 1756604, 8411707). ClinVar contains an entry for this variant (Variation ID: 55945). Studies have shown that this variant results in activation of a cryptic splice site, and produces a non-functional protein and/or introduces a premature termination codon (PMID: 1427775). In summary, the currently available evidence indicates that the variant is pathogenic, but additional data are needed to prove that conclusively. Therefore, this variant has been classified as Likely Pathogenic.

Natera, Inc.
Classification: Likely pathogenic for Aspartylglucosaminuria. Last evaluated: 2024-02-25. Review status: criteria provided, single submitter. Criteria: Natera Variant Classification Schema (03/2026). Collection method: clinical testing. Allele origin: germline.
Comment: The c.395-8A>G variant in AGA is an intronic variant located outside the canonical splice sites. This variant is rare in the general population with a frequency below the threshold expected for the associated phenotype(s). This variant has been observed to segregate in affected family members (PMID: 1427775). Functional studies show that this variant may disrupt protein function (PMID: 1427775). Computational prediction algorithms indicate this variant is likely to affect gene or protein function. Given the available evidence, this variant is classified as Likely Pathogenic.

Women's Health and Genetics/Laboratory Corporation of America, LabCorp
Classification: Pathogenic for Aspartylglucosaminuria. Last evaluated: 2023-06-20. Review status: criteria provided, single submitter. Criteria: LabCorp Variant Classification Summary - May 2015. Collection method: clinical testing. Allele origin: germline.
Comment: Variant summary: AGA c.395-8A>G alters a non-conserved nucleotide located close to a canonical splice site and therefore could affect mRNA splicing, leading to a significantly altered protein sequence. Several computational tools predict a significant impact on normal splicing: Four predict the variant creates a 3' acceptor site, and three of four predict the variant also abolishes/weakens the canonical 3' acceptor site. At least one publication reports experimental evidence that this variant indeed affects mRNA splicing by creating an alternative 3' acceptor site upstream from the canonical 3' acceptor site, resulting in a 7 bp insertion which ultimately leads to a frameshift and premature termination codon. The variant allele was found at a frequency of 8e-06 in 250390 control chromosomes (gnomAD). c.395-8A>G has been reported in the literature in the homozygous state in two siblings affected with Aspartylglucosaminuria (Yoshida_1992). These data indicate that the variant is likely to be associated with disease. At least one publication reports experimental evidence evaluating an impact on protein function and found the variant results in an unstable protein with <10% of normal activity when expressed in vitro (Saarela_2001). The following publications have been ascertained in the context of this evaluation (PMID: 11309371, 1427775). No submitters have cited clinical-significance assessments for this variant to ClinVar after 2014. Based on the evidence outlined above, the variant was classified as pathogenic.

Juha Muilu Group; Institute for Molecular Medicine Finland (FIMM)
Classification: Likely pathogenic for Aspartylglycosaminuria. Review status: no assertion criteria provided. Collection method: not provided. Allele origin: unknown. Not counted in ClinVar's aggregate classification.
Comment: FinDis database variant: This variant was not found or characterized by our laboratory, data were collected from public sources: see reference
ClinVar note: Converted during submission from probable-pathogenic to Likely pathogenic.

Literature cited by the submitters: PubMed 1756604 (cited by Labcorp Genetics (formerly Invitae), Labcorp); PubMed 8411707 (cited by Labcorp Genetics (formerly Invitae), Labcorp); PubMed 1427775 (cited by 3 submitters); PubMed 11309371 (cited by Women's Health and Genetics/Laboratory Corporation of America, LabCorp).